The following is an entry in ClinVar:

NM_007373.4(SHOC2):c.937A>C (p.Asn313His)

Gene: SHOC2 (SHOC2 leucine rich repeat scaffold protein; plus strand). Cytogenetic location: 10q25.2.
Variant type: single nucleotide variant.
Coding change: c.937A>C on transcript NM_007373.4 (MANE Select); coding-DNA position 937, A replaced by C.
Protein change: p.Asn313His; replaces asparagine 313 with histidine.
Molecular consequence: missense variant. On other transcripts: non-coding transcript variant (1).
Genome position (GRCh38, 1-based): chr10:111,000,510, A>C. VCF-style: chr10-111000510-A-C. GRCh37 (hg19) VCF-style: chr10-112760268-A-C.
Other names: c.799A>C, p.Asn267His (NM_001269039.3); c.937A>C, p.Asn313His (NM_001324336.2, NM_001324337.2); short protein forms N267H, N313H.
Identifiers: ClinVar variation 2093053 (VCV002093053.4), dbSNP rs2493932570, ClinGen allele CA378522746.

ClinVar aggregate classification (germline): Uncertain significance (1 of 4 stars; one submission).

Conditions:
RASopathy. Also called: rasopathies; Noonan spectrum disorder. Identifiers: Orphanet 536391, MedGen C5555857, MONDO:0021060.

Submission:

Labcorp Genetics (formerly Invitae), Labcorp
Classification: Uncertain significance for RASopathy. Last evaluated: 2022-02-28. Review status: criteria provided, single submitter. Criteria: Invitae Variant Classification Sherloc (09022015). Collection method: clinical testing. Allele origin: germline.
Comment: In summary, the available evidence is currently insufficient to determine the role of this variant in disease. Therefore, it has been classified as a Variant of Uncertain Significance. Algorithms developed to predict the effect of missense changes on protein structure and function are either unavailable or do not agree on the potential impact of this missense change (SIFT: "Tolerated"; PolyPhen-2: "Probably Damaging"; Align-GVGD: "Class C0"). This variant has not been reported in the literature in individuals affected with SHOC2-related conditions. This variant is not present in population databases (gnomAD no frequency). This sequence change replaces asparagine, which is neutral and polar, with histidine, which is basic and polar, at codon 313 of the SHOC2 protein (p.Asn313His).